The following is an entry in ClinVar:

ClinVar aggregate classification (germline): Uncertain significance. Review status: criteria provided, multiple submitters, no conflicts (2 of 4 stars). 2 submissions from 2 submitters: Uncertain significance (2). Last evaluated 2023-09-10.

Conditions:
Inborn genetic diseases. Identifiers: MedGen C0950123, MeSH D030342.

Submissions (2):

Ambry Genetics
Classification: Uncertain significance for Inborn genetic diseases. Last evaluated: 2023-09-10. Review status: criteria provided, single submitter. Criteria: Ambry Variant Classification Scheme 2023. Collection method: clinical testing. Allele origin: germline.
Comment: The p.I209M variant (also known as c.627C>G), located in coding exon 6 of the MDH2 gene, results from a C to G substitution at nucleotide position 627. The isoleucine at codon 209 is replaced by methionine, an amino acid with highly similar properties. This amino acid position is conserved. In addition, the in silico prediction for this alteration is inconclusive. Since supporting evidence is limited at this time, the clinical significance of this alteration remains unclear.

Labcorp Genetics (formerly Invitae), Labcorp
Classification: Uncertain significance. Last evaluated: 2021-09-18. Review status: criteria provided, single submitter. Criteria: Invitae Variant Classification Sherloc (09022015). Collection method: clinical testing. Allele origin: germline.
Comment: In summary, the available evidence is currently insufficient to determine the role of this variant in disease. Therefore, it has been classified as a Variant of Uncertain Significance. Algorithms developed to predict the effect of missense changes on protein structure and function are either unavailable or do not agree on the potential impact of this missense change (SIFT: "Deleterious"; PolyPhen-2: "Probably Damaging"; Align-GVGD: "Class C0"). This variant has not been reported in the literature in individuals affected with MDH2-related conditions. This variant is not present in population databases (ExAC no frequency). This sequence change replaces isoleucine with methionine at codon 209 of the MDH2 protein (p.Ile209Met). The isoleucine residue is highly conserved and there is a small physicochemical difference between isoleucine and methionine.

NM_005918.4(MDH2):c.627C>G (p.Ile209Met)

Gene: MDH2 (malate dehydrogenase 2; plus strand). Cytogenetic location: 7q11.23.
Variant type: single nucleotide variant.
Coding change: c.627C>G on transcript NM_005918.4 (MANE Select); coding-DNA position 627, C replaced by G.
Protein change: p.Ile209Met; replaces isoleucine 209 with methionine.
Molecular consequence: missense variant.
Genome position (GRCh38, 1-based): chr7:76,063,586, C>G. VCF-style: chr7-76063586-C-G. GRCh37 (hg19) VCF-style: chr7-75692904-C-G.
Other names: c.501C>G, p.Ile167Met (NM_001282403.2); c.306C>G, p.Ile102Met (NM_001282404.2); c.627C>G (NM_005918.2); short protein forms I209M, I102M, I167M.
Identifiers: ClinVar variation 1519888 (VCV001519888.7), dbSNP rs2116697003, ClinGen allele CA367766919.